The following is an entry in ClinVar:

NM_001145308.5(LRTOMT):c.374G>A (p.Arg125Gln)

Genes: ANAPC15 (anaphase promoting complex subunit 15; minus strand), LRTOMT (leucine rich transmembrane and O-methyltransferase domain containing; plus strand), TOMT (transmembrane O-methyltransferase; plus strand). Cytogenetic location: 11q13.4.
Variant type: single nucleotide variant.
Coding change: c.374G>A on transcript NM_001145308.5; coding-DNA position 374, G replaced by A.
Protein change: p.Arg125Gln; replaces arginine 125 with glutamine.
Molecular consequence: missense variant. On other transcripts: 3 prime UTR variant (3), non-coding transcript variant (1), intron variant (7).
Genome position (GRCh38, 1-based): chr11:72,107,938, G>A. VCF-style: chr11-72107938-G-A. GRCh37 (hg19) VCF-style: chr11-71818984-G-A.
Other names: c.275G>A, p.Arg92Gln (NM_001393500.2); c.374G>A, p.Arg125Gln (NM_001145309.4); c.254G>A, p.Arg85Gln (NM_001145310.4); c.*881C>T (NM_001393443.1, NM_001393444.1, NM_001393445.1); c.64-333C>T (NM_001393459.1); c.319-333C>T (NM_001393430.1, NM_001393429.1, NM_001393428.1 and 3 more transcripts); short protein forms R125Q, R92Q, R85Q.
Identifiers: ClinVar variation 1467073 (VCV001467073.7), dbSNP rs572570513, ClinGen allele CA224375251.
Genomic context (GRCh38, chr11:72,107,938, plus strand): 5'-GCATCCATCTCCCATGTCTTCTGCAACAGCCATCTCCCCTCATAGGTCAGATCCTGATGC[G>A]GCTGGTGGAGGAGAAGGCCCCTGCTTGTGTGCTGGAATTGGGAACCTACTGTGGATACTC-3'

ClinVar aggregate classification (germline): Uncertain significance. Review status: criteria provided, multiple submitters, no conflicts (2 of 4 stars). 2 submissions from 2 submitters: Uncertain significance (2). Last evaluated 2024-11-10.

Conditions:
Inborn genetic diseases. Identifiers: MedGen C0950123, MeSH D030342.

Allele frequency attached by ClinVar (database versions not stated): TOPMed 0.00017.
gnomAD v4.1: 76 of 1,551,650 alleles (0.0049%); highest among the groups gnomAD compares: African/African-American, 0.036%; no homozygotes.

Submissions (2):

Ambry Genetics
Classification: Uncertain significance for Inborn genetic diseases. Last evaluated: 2024-11-10. Review status: criteria provided, single submitter. Criteria: Ambry Variant Classification Scheme 2023. Collection method: clinical testing. Allele origin: germline.

Labcorp Genetics (formerly Invitae), Labcorp
Classification: Uncertain significance. Last evaluated: 2022-09-01. Review status: criteria provided, single submitter. Criteria: Invitae Variant Classification Sherloc (09022015). Collection method: clinical testing. Allele origin: germline.
Comment: This sequence change replaces arginine, which is basic and polar, with glutamine, which is neutral and polar, at codon 125 of the LRTOMT protein (p.Arg125Gln). This variant is present in population databases (rs572570513, gnomAD 0.02%). This variant has not been reported in the literature in individuals affected with LRTOMT-related conditions. ClinVar contains an entry for this variant (Variation ID: 1467073). Algorithms developed to predict the effect of missense changes on protein structure and function are either unavailable or do not agree on the potential impact of this missense change (SIFT: "Deleterious"; PolyPhen-2: "Benign"; Align-GVGD: "Class C35"). In summary, the available evidence is currently insufficient to determine the role of this variant in disease. Therefore, it has been classified as a Variant of Uncertain Significance.